The following is an entry in ClinVar:

ClinVar aggregate classification (germline): Uncertain significance (1 of 4 stars; one submission).

Conditions:
Charcot-Marie-Tooth disease type 2. Also called: Charcot-Marie-Tooth type 2. Identifiers: Orphanet 64746, MedGen C0270914, MONDO:0018993.

Allele frequency attached by ClinVar (database versions not stated): TOPMed 0.00001.

Submission:

Labcorp Genetics (formerly Invitae), Labcorp
Classification: Uncertain significance for Charcot-Marie-Tooth disease type 2. Last evaluated: 2025-01-27. Review status: criteria provided, single submitter. Criteria: Invitae Variant Classification Sherloc (09022015). Collection method: clinical testing. Allele origin: germline.
Comment: This sequence change replaces lysine, which is basic and polar, with asparagine, which is neutral and polar, at codon 677 of the AARS protein (p.Lys677Asn). This variant is not present in population databases (gnomAD no frequency). This variant has not been reported in the literature in individuals affected with AARS-related conditions. ClinVar contains an entry for this variant (Variation ID: 2154327). Invitae Evidence Modeling of protein sequence and biophysical properties (such as structural, functional, and spatial information, amino acid conservation, physicochemical variation, residue mobility, and thermodynamic stability) has been performed for this missense variant. However, the output from this modeling did not meet the statistical confidence thresholds required to predict the impact of this variant on AARS protein function. In summary, the available evidence is currently insufficient to determine the role of this variant in disease. Therefore, it has been classified as a Variant of Uncertain Significance.

NM_001605.3(AARS1):c.2031A>T (p.Lys677Asn)

Gene: AARS1 (alanyl-tRNA synthetase 1; minus strand). Cytogenetic location: 16q22.1.
Variant type: single nucleotide variant.
Coding change: c.2031A>T on transcript NM_001605.3 (MANE Select); coding-DNA position 2031, A replaced by T.
Protein change: p.Lys677Asn; replaces lysine 677 with asparagine.
Molecular consequence: missense variant.
Genome position (GRCh38, 1-based): chr16:70,258,179, T>A on the plus strand (A>T on the coding strand, the complement: AARS1 is on the minus strand). VCF-style: chr16-70258179-T-A. GRCh37 (hg19) VCF-style: chr16-70292082-T-A.
Other names: short protein forms K677N.
Identifiers: ClinVar variation 2154327 (VCV002154327.4), dbSNP rs1391102817, ClinGen allele CA396557793.